The following is an entry in ClinVar:

ClinVar aggregate classification (germline): Pathogenic. Review status: criteria provided, single submitter (1 of 4 stars). 3 submissions from 3 submitters: Pathogenic (1). 2 of the submissions do not count toward it. Last evaluated 2022-04-07.

Conditions:
Myofibrillar myopathy 5. Also called: Filaminopathy (type); FILAMINOPATHY, AUTOSOMAL DOMINANT. Identifiers: Orphanet 171445, MedGen C1836050, MONDO:0012289, OMIM 609524.
Distal myopathy with posterior leg and anterior hand involvement. Also called: WILLIAMS DISTAL MYOPATHY. Identifiers: Orphanet 63273, MedGen C3279722, MONDO:0013550, OMIM 614065.
Hypertrophic cardiomyopathy 26. Also called: Cardiomyopathy, familial hypertrophic, 26. Identifiers: Orphanet 75249, MedGen C4310749, MONDO:0014883, OMIM 617047.

gnomAD v4.1: 1 of 1,613,894 alleles (0.000062%); highest among the groups gnomAD compares: Non-Finnish European, 0.000085%; no homozygotes.

Submissions (3):

Labcorp Genetics (formerly Invitae), Labcorp
Classification: Pathogenic for Distal myopathy with posterior leg and anterior hand involvement; Myofibrillar myopathy 5; Hypertrophic cardiomyopathy 26. Last evaluated: 2022-04-07. Review status: criteria provided, single submitter. Criteria: Invitae Variant Classification Sherloc (09022015). Collection method: clinical testing. Allele origin: germline.
Comment: For these reasons, this variant has been classified as Pathogenic. ClinVar contains an entry for this variant (Variation ID: 1284407). This premature translational stop signal has been observed in individual(s) with dilated cardiomyopathy (PMID: 32112656, 32880476). This variant is not present in population databases (gnomAD no frequency). This sequence change creates a premature translational stop signal (p.Tyr946*) in the FLNC gene. It is expected to result in an absent or disrupted protein product. Loss-of-function variants in FLNC are known to be pathogenic (PMID: 27908349).

Clinical Genetics, Academic Medical Center
Classification: Pathogenic. Review status: no assertion criteria provided. Collection method: clinical testing. Allele origin: germline. Affected: yes. Study: VKGL Data-share Consensus. Not counted in ClinVar's aggregate classification.

Joint Genome Diagnostic Labs from Nijmegen and Maastricht, Radboudumc and MUMC+
Classification: Likely pathogenic. Review status: no assertion criteria provided. Collection method: clinical testing. Allele origin: germline. Affected: yes. Study: VKGL Data-share Consensus. Not counted in ClinVar's aggregate classification.

Literature cited by the submitters: PubMed 32112656 (cited by Labcorp Genetics (formerly Invitae), Labcorp); PubMed 32880476 (cited by Labcorp Genetics (formerly Invitae), Labcorp); PubMed 27908349 (cited by Labcorp Genetics (formerly Invitae), Labcorp).

NM_001458.5(FLNC):c.2838T>A (p.Tyr946Ter)

Gene: FLNC (filamin C; plus strand). Cytogenetic location: 7q32.1.
Variant type: single nucleotide variant.
Coding change: c.2838T>A on transcript NM_001458.5 (MANE Select); coding-DNA position 2838, T replaced by A.
Protein change: p.Tyr946Ter; replaces tyrosine 946 with a stop codon.
Molecular consequence: nonsense.
Genome position (GRCh38, 1-based): chr7:128,843,822, T>A. VCF-style: chr7-128843822-T-A. GRCh37 (hg19) VCF-style: chr7-128483876-T-A.
Other names: c.2838T>A, p.Tyr946Ter (NM_001127487.2); short protein forms Y946*.
Identifiers: ClinVar variation 1284407 (VCV001284407.9), dbSNP rs769390195, ClinGen allele CA369193400.